The following is an entry in ClinVar:

NM_001282684.2(KCTD17):c.941T>C (p.Ile314Thr)

Gene: KCTD17 (potassium channel tetramerization domain containing 17; plus strand). Cytogenetic location: 22q12.3.
Variant type: single nucleotide variant.
Coding change: c.941T>C on transcript NM_001282684.2 (MANE Select); coding-DNA position 941, T replaced by C.
Protein change: p.Ile314Thr; replaces isoleucine 314 with threonine.
Molecular consequence: missense variant. On other transcripts: 3 prime UTR variant (2).
Genome position (GRCh38, 1-based): chr22:37,062,590, T>C. VCF-style: chr22-37062590-T-C. GRCh37 (hg19) VCF-style: chr22-37458630-T-C.
Other names: c.*112T>C (NM_001282685.2); c.*36T>C (NM_001282686.2); c.869T>C, p.Ile290Thr (NM_024681.4); short protein forms I314T, I290T.
Identifiers: ClinVar variation 2911460 (VCV002911460.3), dbSNP rs1053123969, ClinGen allele CA324038091.
Genomic context (GRCh38, chr22:37,062,590, plus strand): 5'-ACAAGCCAGAGGCACCCGGATGTGAGGCCCCAGATCACCTCCAGGGACTTGGGGTTCCCA[T>C]CTGAAATCCTTTATTTTTGTACCATGGGGTGGGCCCCGGGCCTGAGAAGGAAGAAGCACC-3'
Protein context (NP_001269613.2, residues 304-314): PDHLQGLGVP[Ile314Thr]

ClinVar aggregate classification (germline): Uncertain significance (1 of 4 stars; one submission).

Conditions:
Myoclonic dystonia 26. Identifiers: MedGen C4225341, MONDO:0014620, OMIM 616398.

Submission:

Labcorp Genetics (formerly Invitae), Labcorp
Classification: Uncertain significance for Myoclonic dystonia 26. Last evaluated: 2023-05-23. Review status: criteria provided, single submitter. Criteria: Invitae Variant Classification Sherloc (09022015). Collection method: clinical testing. Allele origin: germline.
Comment: This sequence change replaces isoleucine, which is neutral and non-polar, with threonine, which is neutral and polar, at codon 321 of the KCTD17 protein (p.Ile321Thr). In summary, the available evidence is currently insufficient to determine the role of this variant in disease. Therefore, it has been classified as a Variant of Uncertain Significance. An algorithm developed to predict the effect of missense changes on protein structure and function (PolyPhen-2) suggests that this variant is likely to be tolerated. This variant has not been reported in the literature in individuals affected with KCTD17-related conditions. This variant is not present in population databases (gnomAD no frequency).